The following is an entry in ClinVar:

NM_017617.5(NOTCH1):c.3980A>T (p.Asn1327Ile)

Gene: NOTCH1 (notch receptor 1; minus strand). Cytogenetic location: 9q34.3.
Variant type: single nucleotide variant.
Coding change: c.3980A>T on transcript NM_017617.5 (MANE Select); coding-DNA position 3980, A replaced by T.
Protein change: p.Asn1327Ile; replaces asparagine 1327 with isoleucine.
Molecular consequence: missense variant.
Genome position (GRCh38, 1-based): chr9:136,506,561, T>A on the plus strand (A>T on the coding strand, the complement: NOTCH1 is on the minus strand). VCF-style: chr9-136506561-T-A. GRCh37 (hg19) VCF-style: chr9-139401013-T-A.
Other names: short protein forms N1327I.
Identifiers: ClinVar variation 5025807 (VCV005025807.1).
Genomic context (GRCh38, chr9:136,506,561, plus strand): 5'-CTGCCTCCCTGCACCCCTGCACCTACCGCAGGGCACTTGCAGATGAACCCGCGGGCGGTG[T>A]TGGAGGCCACGGCGCAGGTGCCCCCATTCTTGCAGGGCTTGCCTTTGCAGCCATTGATGA-3'
Protein context (NP_060087.3, residues 1317-1337): KNGGTCAVAS[Asn1327Ile]TARGFICKCP

ClinVar aggregate classification (germline): Uncertain significance (1 of 4 stars; one submission).

Conditions:
Familial thoracic aortic aneurysm and aortic dissection (TAAD). Also called: Thoracic aortic aneurysms and dissections. Identifiers: Orphanet 91387, MedGen C4707243, MONDO:0019625.

gnomAD v4.1: 1 of 1,609,926 alleles (0.000062%); highest among the groups gnomAD compares: African/African-American, 0.0013%; no homozygotes.

Submission:

Ambry Genetics
Classification: Uncertain significance for Familial thoracic aortic aneurysm and aortic dissection. Last evaluated: 2026-07-31. Review status: criteria provided, single submitter. Criteria: Ambry Variant Classification Scheme 2023. Collection method: clinical testing. Allele origin: germline.
Comment: The p.N1327I variant (also known as c.3980A>T), located in coding exon 24 of the NOTCH1 gene, results from an A to T substitution at nucleotide position 3980. The asparagine at codon 1327 is replaced by isoleucine, an amino acid with dissimilar properties. This amino acid position is conserved. In addition, this alteration is predicted to be deleterious by in silico analysis. Based on the available evidence, the clinical significance of this variant remains unclear.